The following is an entry in ClinVar:

ClinVar aggregate classification (germline): Conflicting classifications of pathogenicity. Review status: criteria provided, conflicting classifications (1 of 4 stars). 8 submissions from 8 submitters: Uncertain significance (1); Likely benign (7). Last evaluated 2026-08-01.

Conditions:
POLG-related disorder. Also called: POLG-Related Spectrum Disorders; POLG-related condition; POLG-Related Disorders. Identifiers: MedGen C4763519.
Inborn genetic diseases. Identifiers: MedGen C0950123, MeSH D030342.
Progressive sclerosing poliodystrophy (MTDPS4A). Also called: Mitochondrial DNA depletion syndrome 4A (Alpers type); Alpers-Huttenlocher Syndrome (AHS); Mitochondrial DNA Depletion Syndrome 4A; Alpers Syndrome; ALPERS PROGRESSIVE INFANTILE POLIODYSTROPHY; ALPERS DIFFUSE DEGENERATION OF CEREBRAL GRAY MATTER WITH HEPATIC CIRRHOSIS. Identifiers: Orphanet 726, MedGen C0205710, MONDO:0008758, OMIM 203700.
Mitochondrial DNA depletion syndrome 1. Also called: Mitochondrial Neurogastrointestinal Encephalopathy Disease; MITOCHONDRIAL NEUROGASTROINTESTINAL ENCEPHALOPATHY SYNDROME, TYMP-RELATED; MNGIE, TYMP-RELATED; Mitochondrial DNA Depletion Syndrome, MNGIE Form; Mitochondrial DNA depletion syndrome 1 (MNGIE type); Mitochondrial neurogastrointestinal encephalomyopathy syndrome. Identifiers: Orphanet 298, MedGen C4551995, MONDO:0011283, OMIM 603041.
Mitochondrial DNA depletion syndrome 4b. Also called: Mitochondrial Neurogastrointestinal Encephalopathy Disease, POLG-Related; MNGIE, POLG-RELATED. Identifiers: Orphanet 298, MedGen C3150914, MONDO:0013350, OMIM 613662.
Sensory ataxic neuropathy, dysarthria, and ophthalmoparesis (SANDO). Also called: Epilepsy, progressive myoclonic, type 5; Ataxia Neuropathy Spectrum (ANS); Sensory ataxic neuropathy-dysarthria-ophthalmoparesis syndrome; SENSORY ATAXIC NEUROPATHY WITH MITOCHONDRIAL DNA DELETIONS, AUTOSOMAL RECESSIVE. Identifiers: Orphanet 70595, MedGen C1843851, MONDO:0011835, OMIM 607459.
Progressive external ophthalmoplegia with mitochondrial DNA deletions, autosomal dominant 1 (PEOA1). Also called: PROGRESSIVE EXTERNAL OPHTHALMOPLEGIA, AUTOSOMAL DOMINANT 1; Autosomal Dominant Progressive External Ophthalmoplegia (adPEO). Identifiers: MedGen C1834846, MONDO:0024528, OMIM 157640.
Progressive external ophthalmoplegia with mitochondrial DNA deletions, autosomal recessive 1 (PEOB1). Also called: Progressive external ophthalmoplegia, autosomal recessive 1; Autosomal Recessive Progressive External Ophthalmoplegia (arPEO). Identifiers: Orphanet 254886, MedGen C4225153, MONDO:0009783, OMIM 258450.

Submissions (8):

CeGaT Center for Human Genetics Tuebingen
Classification: Likely benign. Last evaluated: 2026-08-01. Review status: criteria provided, single submitter. Criteria: CeGaT Center For Human Genetics Tuebingen Variant Classification Criteria Version 2. Collection method: clinical testing. Allele origin: germline. Affected: yes. Observed: 2 variant alleles.
Comment: POLG: BP3, BS2

Labcorp Genetics (formerly Invitae), Labcorp
Classification: Likely benign for Progressive sclerosing poliodystrophy. Last evaluated: 2026-02-04. Review status: criteria provided, single submitter. Criteria: Invitae Variant Classification Sherloc (09022015). Collection method: clinical testing. Allele origin: germline.

Blueprint Genetics
Classification: Likely benign. Last evaluated: 2024-09-04. Review status: criteria provided, single submitter. Criteria: ACMG Guidelines, 2015. Collection method: clinical testing. Allele origin: germline.

PreventionGenetics, part of Exact Sciences
Classification: Uncertain significance for POLG-related condition. Last evaluated: 2022-09-02. Review status: criteria provided, single submitter. Criteria: ACMG Guidelines, 2015. Collection method: clinical testing. Allele origin: germline.
Comment: The POLG c.141_158del18 variant is predicted to result in an in-frame deletion (p.Gln50_Gln55del). To our knowledge, this variant has not been reported in the literature or in a large population database, indicating this variant is rare. At this time, the clinical significance of this variant is uncertain due to the absence of conclusive functional and genetic evidence.

Ambry Genetics
Classification: Likely benign for Inborn genetic diseases. Last evaluated: 2022-02-22. Review status: criteria provided, single submitter. Criteria: Ambry Variant Classification Scheme 2023. Collection method: clinical testing. Allele origin: germline.

Fulgent Genetics
Classification: Likely benign for Progressive external ophthalmoplegia with mitochondrial DNA deletions, autosomal dominant 1; Progressive sclerosing poliodystrophy; Progressive external ophthalmoplegia with mitochondrial DNA deletions, autosomal recessive 1; Mitochondrial DNA depletion syndrome 1; Sensory ataxic neuropathy, dysarthria, and ophthalmoparesis; Mitochondrial DNA depletion syndrome 4b. Last evaluated: 2021-11-12. Review status: criteria provided, single submitter. Criteria: ACMG Guidelines, 2015. Collection method: clinical testing. Allele origin: unknown.

Eurofins Ntd Llc (ga)
Classification: Likely benign. Last evaluated: 2017-04-17. Review status: criteria provided, single submitter. Criteria: EGL Classification Definitions 2015. Collection method: clinical testing. Allele origin: germline. Observed: 2 variant alleles, 2 heterozygotes.

GeneDx
Classification: Likely benign. Last evaluated: 2012-10-10. Review status: criteria provided, single submitter. Criteria: GeneDx Variant Classification (06012015). Collection method: clinical testing. Allele origin: germline. Affected: yes.
Comment: The variant is found in MITONUC-MITOP panel(s).

NM_002693.3(POLG):c.126GCA[5] (p.Gln50_Gln55del)

Genes: POLG (DNA polymerase gamma, catalytic subunit; minus strand), POLGARF (POLG alternative reading frame; minus strand). Cytogenetic location: 15q26.1.
Variant type: Microsatellite.
Coding change: c.126GCA[5] on transcript NM_002693.3 (MANE Select); five copies in a row of the 3-base unit GCA starting at c.126; the reference has 11 copies in a row; six copies, 18 bases deleted; also written c.141_158del.
Protein change: p.Gln50_Gln55del.
Molecular consequence: inframe deletion.
Genome position (GRCh38, 1-based): chr15:89,333,597-89,333,614, TGCTGCTGCTGCTGCTGC deleted on the plus strand (GCAGCAGCAGCAGCAGCA on the coding strand, the reverse complement: POLG is on the minus strand); deleting any 18 consecutive bases within chr15:89,333,597-89,333,629 gives the same sequence; the position shown is the placement nearest the transcript's 3' end. VCF-style (leftmost placement, unchanged base first): chr15-89333596-TTGCTGCTGCTGCTGCTGC-T. GRCh37 (hg19) VCF-style: chr15-89876827-TTGCTGCTGCTGCTGCTGC-T.
Other names: c.141_158delGCAGCAGCAGCAGCAGCA (NM_002693.2); c.126GCA[5], p.Gln50_Gln55del (NM_001126131.2); c.141_158del (NM_002693.3).
Identifiers: ClinVar variation 206478 (VCV000206478.21), dbSNP rs41550117, ClinGen allele CA316610.